The following is an entry in ClinVar:

ClinVar aggregate classification (germline): Uncertain significance. Review status: criteria provided, multiple submitters, no conflicts (2 of 4 stars). 4 submissions from 4 submitters: Uncertain significance (4). Last evaluated 2026-09-01.

Conditions:
PLEC-related disorder. Also called: PLEC-related condition; PLEC-related disorders.
Autosomal recessive limb-girdle muscular dystrophy type 2Q (LGMDR17). Also called: MUSCULAR DYSTROPHY, LIMB-GIRDLE, AUTOSOMAL RECESSIVE 17. Identifiers: Orphanet 254361, MedGen C3150989, MONDO:0013390, OMIM 613723.
Epidermolysis bullosa simplex 5B, with muscular dystrophy (EBS5B). Also called: EPIDERMOLYSIS BULLOSA SIMPLEX AND LIMB-GIRDLE MUSCULAR DYSTROPHY; Epidermolysis bullosa simplex with muscular dystrophy. Identifiers: Orphanet 257, MedGen C2931072, MONDO:0009181, OMIM 226670.
Epidermolysis bullosa simplex, Ogna type (EBS5A). Also called: Pidermolysis bullosa simplex 5A, Ogna type; EPIDERMOLYSIS BULLOSA SIMPLEX 5A, OGNA TYPE. Identifiers: Orphanet 79401, MedGen C0432317, MONDO:0007555, OMIM 131950.
Epidermolysis bullosa simplex with nail dystrophy (EBS5D). Identifiers: MedGen C4225309, MONDO:0014661, OMIM 616487.
Epidermolysis bullosa simplex 5C, with pyloric atresia (EBS5C). Also called: PLEC-Related Epidermolysis Bullosa with Pyloric Atresia; Epidermolysis bullosa simplex with pyloric atresia; PLEC1-Related Epidermolysis Bullosa with Pyloric Atresia. Identifiers: Orphanet 158684, MedGen C2677349, MONDO:0012807, OMIM 612138.

Allele frequency attached by ClinVar (database versions not stated): TOPMed 0.00003; gnomAD 0.00005.

Submissions (4):

CeGaT Center for Human Genetics Tuebingen
Classification: Uncertain significance. Last evaluated: 2026-09-01. Review status: criteria provided, single submitter. Criteria: CeGaT Center For Human Genetics Tuebingen Variant Classification Criteria Version 2. Collection method: clinical testing. Allele origin: germline. Affected: yes. Observed: 1 variant allele.
Comment: PLEC: PM2

PreventionGenetics, part of Exact Sciences
Classification: Uncertain significance for PLEC-related condition. Last evaluated: 2026-07-21. Review status: criteria provided, single submitter. Criteria: ACMG Guidelines, 2015. Collection method: clinical testing. Allele origin: germline.
Comment: The PLEC c.4966C>T variant is predicted to result in the amino acid substitution p.Arg1656Trp. To our knowledge, this variant has not been reported in the literature. This variant is reported in 0.0035% of alleles in individuals of Latino descent in gnomAD. At this time, the clinical significance of this variant is uncertain due to the absence of conclusive functional and genetic evidence.

Labcorp Genetics (formerly Invitae), Labcorp
Classification: Uncertain significance for Autosomal recessive limb-girdle muscular dystrophy type 2Q; Epidermolysis bullosa simplex, Ogna type; Epidermolysis bullosa simplex with nail dystrophy; Epidermolysis bullosa simplex 5C, with pyloric atresia; Epidermolysis bullosa simplex 5B, with muscular dystrophy. Last evaluated: 2024-09-27. Review status: criteria provided, single submitter. Criteria: Invitae Variant Classification Sherloc (09022015). Collection method: clinical testing. Allele origin: germline.
Comment: This sequence change replaces arginine, which is basic and polar, with tryptophan, which is neutral and slightly polar, at codon 1656 of the PLEC protein (p.Arg1656Trp). The frequency data for this variant in the population databases is considered unreliable, as metrics indicate poor data quality at this position in the gnomAD database. This variant has not been reported in the literature in individuals affected with PLEC-related conditions. ClinVar contains an entry for this variant (Variation ID: 2434950). Invitae Evidence Modeling of protein sequence and biophysical properties (such as structural, functional, and spatial information, amino acid conservation, physicochemical variation, residue mobility, and thermodynamic stability) indicates that this missense variant is not expected to disrupt PLEC protein function with a negative predictive value of 80%. In summary, the available evidence is currently insufficient to determine the role of this variant in disease. Therefore, it has been classified as a Variant of Uncertain Significance.

Revvity Omics, Revvity
Classification: Uncertain significance. Last evaluated: 2022-09-15. Review status: criteria provided, single submitter. Criteria: ACMG Guidelines, 2015. Collection method: clinical testing. Allele origin: germline.

NM_201384.3(PLEC):c.4885C>T (p.Arg1629Trp)

Gene: PLEC (plectin; minus strand). Cytogenetic location: 8q24.3.
Variant type: single nucleotide variant.
Coding change: c.4885C>T on transcript NM_201384.3 (MANE Select); coding-DNA position 4885, C replaced by T.
Protein change: p.Arg1629Trp; replaces arginine 1629 with tryptophan.
Molecular consequence: missense variant.
Genome position (GRCh38, 1-based): chr8:143,925,044, G>A on the plus strand (C>T on the coding strand, the complement: PLEC is on the minus strand). VCF-style: chr8-143925044-G-A. GRCh37 (hg19) VCF-style: chr8-144999212-G-A.
Other names: c.4966C>T (NM_000445.4); c.4966C>T, p.Arg1656Trp (NM_000445.5); c.4843C>T, p.Arg1615Trp (NM_201378.4); c.4819C>T, p.Arg1607Trp (NM_201379.3); c.5296C>T, p.Arg1766Trp (NM_201380.4); c.4789C>T, p.Arg1597Trp (NM_201381.3); c.4885C>T, p.Arg1629Trp (NM_201382.4); c.4897C>T, p.Arg1633Trp (NM_201383.3); short protein forms R1597W, R1607W, R1615W, R1629W, R1633W, R1656W, R1766W.
Identifiers: ClinVar variation 2434950 (VCV002434950.8), dbSNP rs782761713, ClinGen allele CA4926509.